The following is an entry in ClinVar:

NM_004260.4(RECQL4):c.2603T>C (p.Val868Ala)

Gene: RECQL4 (RecQ like helicase 4; minus strand). Cytogenetic location: 8q24.3.
Variant type: single nucleotide variant.
Coding change: c.2603T>C on transcript NM_004260.4 (MANE Select); coding-DNA position 2603, T replaced by C.
Protein change: p.Val868Ala; replaces valine 868 with alanine.
Molecular consequence: missense variant. On other transcripts: non-coding transcript variant (3).
Genome position (GRCh38, 1-based): chr8:144,512,999, A>G on the plus strand (T>C on the coding strand, the complement: RECQL4 is on the minus strand). VCF-style: chr8-144512999-A-G. GRCh37 (hg19) VCF-style: chr8-145738382-A-G.
Other names: c.2603T>C, p.Val868Ala (NM_001413019.1, NM_001413036.1); c.2507T>C, p.Val836Ala (NM_001413020.1); c.1532T>C, p.Val511Ala (NM_001413021.1, NM_001413022.1, NM_001413023.1 and 5 more transcripts); c.2474T>C, p.Val825Ala (NM_001413025.1); c.1466T>C, p.Val489Ala (NM_001413027.1, NM_001413041.1, NM_001413030.1 and 1 more transcripts); c.2573T>C, p.Val858Ala (NM_001413039.1); c.1502T>C, p.Val501Ala (NM_001413042.1); c.1136T>C, p.Val379Ala (NM_001413043.1); and 6 more; short protein forms V379A, V501A, V511A, V868A, V770A, V824A, V825A, V445A.
Identifiers: ClinVar variation 2709775 (VCV002709775.3), dbSNP rs756122243, ClinGen allele CA372676888.
Genomic context (GRCh38, chr8:144,512,999, plus strand): 5'-TGGTGGCTAAGCTGCTCAGCCTCTTGAGGGGGGTACTTGGGCACAGGCCTCTCCCCACCC[A>G]CGGCCCCTTCCTGCTCCGAGGGCGGCCTGGTGCAGGTGCAGGTGCAGGCTGGGAACACGC-3'
Protein context (NP_004251.4, residues 858-878): TRPPSEQEGA[Val868Ala]GGERPVPKYP

ClinVar aggregate classification (germline): Uncertain significance (1 of 4 stars; one submission).

Conditions:
Baller-Gerold syndrome (BGS). Also called: CRANIOSYNOSTOSIS WITH RADIAL DEFECTS. Identifiers: Orphanet 1225, MedGen C0265308, MONDO:0009039, OMIM 218600.

Submission:

Labcorp Genetics (formerly Invitae), Labcorp
Classification: Uncertain significance for Baller-Gerold syndrome. Last evaluated: 2024-01-17. Review status: criteria provided, single submitter. Criteria: Invitae Variant Classification Sherloc (09022015). Collection method: clinical testing. Allele origin: germline.
Comment: This sequence change replaces valine, which is neutral and non-polar, with alanine, which is neutral and non-polar, at codon 868 of the RECQL4 protein (p.Val868Ala). This variant is not present in population databases (gnomAD no frequency). This variant has not been reported in the literature in individuals affected with RECQL4-related conditions. Experimental studies and prediction algorithms are not available or were not evaluated, and the functional significance of this variant is currently unknown. In summary, the available evidence is currently insufficient to determine the role of this variant in disease. Therefore, it has been classified as a Variant of Uncertain Significance.